The following is an entry in ClinVar:

ClinVar aggregate classification (germline): Uncertain significance. Review status: criteria provided, multiple submitters, no conflicts (2 of 4 stars). 4 submissions from 4 submitters: Uncertain significance (4). Last evaluated 2025-12-17.

Conditions:
Cohen syndrome (COH1). Also called: PEPPER SYNDROME; Cutis verticis gyrata, retinitis pigmentosa, and sensorineural deafness. Identifiers: Orphanet 193, MedGen C0265223, MONDO:0008999, OMIM 216550.
VPS13B-related disorder. Also called: VPS13B-related condition.

Allele frequency attached by ClinVar (database versions not stated): ESP Exome Variant Server 0.00008; gnomAD 0.00009 and 0.00011; TOPMed 0.00002; gnomAD exomes 0.00007 and 0.00013; ExAC 0.00018.
gnomAD v4.1: 110 of 1,613,272 alleles (0.0068%); highest among the groups gnomAD compares: Non-Finnish European, 0.0032%; no homozygotes.

Submissions (4):

PreventionGenetics, part of Exact Sciences
Classification: Uncertain significance for VPS13B-related condition. Last evaluated: 2025-12-17. Review status: criteria provided, single submitter. Criteria: ACMG Guidelines, 2015. Collection method: clinical testing. Allele origin: germline.
Comment: The VPS13B c.4829A>G variant is predicted to result in the amino acid substitution p.Asn1610Ser. To our knowledge, this variant has not been reported in the literature. This variant is reported in 0.084% of alleles in individuals of European (Finnish) descent in gnomAD, which is likely too common for an undocumented disease-causing variant. Although we suspect that this variant may be benign, at this time, the clinical significance of this variant is uncertain due to the absence of conclusive functional and genetic evidence.

Blueprint Genetics
Classification: Uncertain significance. Last evaluated: 2024-08-08. Review status: criteria provided, single submitter. Criteria: ACMG Guidelines, 2015. Collection method: clinical testing. Allele origin: germline.

Labcorp Genetics (formerly Invitae), Labcorp
Classification: Uncertain significance for Cohen syndrome. Last evaluated: 2024-05-29. Review status: criteria provided, single submitter. Criteria: Invitae Variant Classification Sherloc (09022015). Collection method: clinical testing. Allele origin: germline.
Comment: This sequence change replaces asparagine, which is neutral and polar, with serine, which is neutral and polar, at codon 1635 of the VPS13B protein (p.Asn1635Ser). This variant is present in population databases (rs201587931, gnomAD 0.09%). This variant has not been reported in the literature in individuals affected with VPS13B-related conditions. ClinVar contains an entry for this variant (Variation ID: 1408166). Advanced modeling of protein sequence and biophysical properties (such as structural, functional, and spatial information, amino acid conservation, physicochemical variation, residue mobility, and thermodynamic stability) performed at Invitae indicates that this missense variant is not expected to disrupt VPS13B protein function with a negative predictive value of 80%. In summary, the available evidence is currently insufficient to determine the role of this variant in disease. Therefore, it has been classified as a Variant of Uncertain Significance.

Fulgent Genetics
Classification: Uncertain significance for Cohen syndrome. Last evaluated: 2022-04-20. Review status: criteria provided, single submitter. Criteria: ACMG Guidelines, 2015. Collection method: clinical testing. Allele origin: unknown.

NM_152564.5(VPS13B):c.4829A>G (p.Asn1610Ser)

Gene: VPS13B (vacuolar protein sorting 13 homolog B; plus strand). Cytogenetic location: 8q22.2.
Variant type: single nucleotide variant.
Coding change: c.4829A>G on transcript NM_152564.5 (MANE Select); coding-DNA position 4829, A replaced by G.
Protein change: p.Asn1610Ser; replaces asparagine 1610 with serine.
Molecular consequence: missense variant.
Genome position (GRCh38, 1-based): chr8:99,556,533, A>G. VCF-style: chr8-99556533-A-G. GRCh37 (hg19) VCF-style: chr8-100568761-A-G.
Other names: c.4904A>G, p.Asn1635Ser (NM_017890.5); c.4829A>G (NM_152564.4); short protein forms N1610S, N1635S.
Identifiers: ClinVar variation 1408166 (VCV001408166.8), dbSNP rs201587931, ClinGen allele CA4823667.